The following is an entry in ClinVar:

ClinVar aggregate classification (germline): Uncertain significance (1 of 4 stars; one submission).

Conditions:
Hereditary cancer-predisposing syndrome. Also called: Hereditary Cancer Syndrome; Tumor predisposition; Hereditary neoplastic syndrome; Neoplastic Syndromes, Hereditary. Identifiers: Orphanet 140162, MedGen C0027672, MeSH D009386, MONDO:0015356.

Submission:

Ambry Genetics
Classification: Uncertain significance for Hereditary cancer-predisposing syndrome. Last evaluated: 2024-04-25. Review status: criteria provided, single submitter. Criteria: Ambry Variant Classification Scheme 2023. Collection method: clinical testing. Allele origin: germline.
Comment: The p.C832S variant (also known as c.2495G>C), located in coding exon 17 of the BRIP1 gene, results from a G to C substitution at nucleotide position 2495. The cysteine at codon 832 is replaced by serine, an amino acid with dissimilar properties. This amino acid position is conserved. In addition, this alteration is predicted to be deleterious by in silico analysis. Based on the available evidence, the clinical significance of this variant remains unclear.

NM_032043.3(BRIP1):c.2495G>C (p.Cys832Ser)

Gene: BRIP1 (BRCA1 interacting DNA helicase 1; minus strand). Cytogenetic location: 17q23.2.
Variant type: single nucleotide variant.
Coding change: c.2495G>C on transcript NM_032043.3 (MANE Select); coding-DNA position 2495, G replaced by C.
Protein change: p.Cys832Ser; replaces cysteine 832 with serine.
Molecular consequence: missense variant.
Genome position (GRCh38, 1-based): chr17:61,693,510, C>G on the plus strand (G>C on the coding strand, the complement: BRIP1 is on the minus strand). VCF-style: chr17-61693510-C-G. GRCh37 (hg19) VCF-style: chr17-59770871-C-G.
Other names: short protein forms C832S.
Identifiers: ClinVar variation 3261809 (VCV003261809.1).
Genomic context (GRCh38, chr17:61,693,510, plus strand): 5'-TTATTCCTAAAGCGATCATCCACTAGAATAAGAGCTCCCCAATCATTTCTGTGTCTAATA[C>G]ATCTAGAAAAAATAGGGAAAAAGTCAAATAATTATAACATCGGAAATAAATCCAGTTTTC-3'
Protein context (NP_114432.2, residues 822-842): YRALNQALGR[Cys832Ser]IRHRNDWGAL